The following is an entry in ClinVar:

ClinVar aggregate classification (germline): Uncertain significance (1 of 4 stars; one submission).

gnomAD v4.1: 1 of 1,612,966 alleles (0.000062%); highest among the groups gnomAD compares: Non-Finnish European, 0.000085%; no homozygotes.

Submission:

Biesecker Lab/Clinical Genomics Section, National Institutes of Health
Classification: Uncertain significance. Last evaluated: 2013-06-24. Review status: criteria provided, single submitter. Criteria: Ng et al. (Circ Cardiovasc Genet. 2013). Collection method: research. Allele origin: unknown. Observed: 1 variant allele. Study: ClinSeq.
Comment: The study set was not selected for affection status in relation to any cancer. Pathogenicity categories were based on literature curation. See Pubmed ID:23861362 for details.

Medical sequencing

NM_001267550.2(TTN):c.59788A>G (p.Thr19930Ala)

Genes: TTN (titin; minus strand), TTN-AS1 (TTN antisense RNA 1; plus strand), LOC126806424 (CDK7 strongly-dependent group 2 enhancer GRCh37_chr2:179456337-179457536; plus strand). Cytogenetic location: 2q31.2.
Variant type: single nucleotide variant.
Coding change: c.59788A>G on transcript NM_001267550.2 (MANE Select); coding-DNA position 59788, A replaced by G.
Protein change: p.Thr19930Ala; replaces threonine 19930 with alanine.
Molecular consequence: missense variant.
Genome position (GRCh38, 1-based): chr2:178,592,116, T>C on the plus strand (A>G on the coding strand, the complement: TTN is on the minus strand). VCF-style: chr2-178592116-T-C. GRCh37 (hg19) VCF-style: chr2-179456843-T-C.
Other names: c.54865A>G, p.Thr18289Ala (NM_001256850.1); c.32593A>G, p.Thr10865Ala (NM_003319.4); c.52084A>G, p.Thr17362Ala (NM_133378.4); c.32968A>G, p.Thr10990Ala (NM_133432.3); c.33169A>G, p.Thr11057Ala (NM_133437.4); short protein forms T17362A, T19930A, T11057A, T10865A, T10990A, T18289A.
Identifiers: ClinVar variation 191931 (VCV000191931.1), dbSNP rs200290906, ClinGen allele CA237903.
Genomic context (GRCh38, chr2:178,592,116, plus strand): 5'-GGAAGAGGTACTGGTTGCCTTCATTCAGATGCTTAGCGAAGTGACTCTTTTTCTTTGATG[T>C]AGCTGAGAGAGGTGACCACTGGGCGCTGGCAACATCTCTCCTCTCAACCACATAATTGGT-3'
Protein context (NP_001254479.2, residues 19920-19940): ASAQWSPLSA[Thr19930Ala]SKKKSHFAKH